The following is an entry in ClinVar:

NM_006922.4(SCN3A):c.5528G>A (p.Ser1843Asn)

Gene: SCN3A (sodium voltage-gated channel alpha subunit 3; minus strand). Cytogenetic location: 2q24.3.
Variant type: single nucleotide variant.
Coding change: c.5528G>A on transcript NM_006922.4 (MANE Select); coding-DNA position 5528, G replaced by A.
Protein change: p.Ser1843Asn; replaces serine 1843 with asparagine.
Molecular consequence: missense variant.
Genome position (GRCh38, 1-based): chr2:165,090,625, C>T on the plus strand (G>A on the coding strand, the complement: SCN3A is on the minus strand). VCF-style: chr2-165090625-C-T. GRCh37 (hg19) VCF-style: chr2-165947135-C-T.
Other names: c.5381G>A, p.Ser1794Asn (NM_001081676.2, NM_001081677.2); short protein forms S1843N, S1794N.
Identifiers: ClinVar variation 2779433 (VCV002779433.3), dbSNP rs778168402, ClinGen allele CA1938390.
Genomic context (GRCh38, chr2:165,090,625, plus strand): 5'-TCACCCAAAACACGCTTTGTAAAGGCAAATAAAATATCAAGACAGTGGATCCGGTCACCA[C>T]TGACCATGGGCAGATCCATGGCAATAAGCTGGACTTTGTTGGGTTTTGCTATGAGAAGAG-3'
Protein context (NP_008853.3, residues 1833-1853): QLIAMDLPMV[Ser1843Asn]GDRIHCLDIL

ClinVar aggregate classification (germline): Uncertain significance (1 of 4 stars; one submission).

Allele frequency attached by ClinVar (database versions not stated): ExAC 0.00002.
gnomAD v4.1: 4 of 1,614,076 alleles (0.00025%); highest among the groups gnomAD compares: East Asian, 0.0022%; no homozygotes.

Submission:

Labcorp Genetics (formerly Invitae), Labcorp
Classification: Uncertain significance. Last evaluated: 2022-12-26. Review status: criteria provided, single submitter. Criteria: Invitae Variant Classification Sherloc (09022015). Collection method: clinical testing. Allele origin: germline.
Comment: In summary, the available evidence is currently insufficient to determine the role of this variant in disease. Therefore, it has been classified as a Variant of Uncertain Significance. Algorithms developed to predict the effect of missense changes on protein structure and function output the following: SIFT: "Deleterious"; PolyPhen-2: "Benign"; Align-GVGD: "Class C0". The asparagine amino acid residue is found in multiple mammalian species, which suggests that this missense change does not adversely affect protein function. This variant has not been reported in the literature in individuals affected with SCN3A-related conditions. This variant is present in population databases (rs778168402, gnomAD 0.002%). This sequence change replaces serine, which is neutral and polar, with asparagine, which is neutral and polar, at codon 1843 of the SCN3A protein (p.Ser1843Asn).